The following is an entry in ClinVar:

NM_003482.4(KMT2D):c.67T>C (p.Ser23Pro)

Gene: KMT2D (lysine methyltransferase 2D; minus strand). Cytogenetic location: 12q13.12.
Variant type: single nucleotide variant.
Coding change: c.67T>C on transcript NM_003482.4 (MANE Select); coding-DNA position 67, T replaced by C.
Protein change: p.Ser23Pro; replaces serine 23 with proline.
Molecular consequence: missense variant.
Genome position (GRCh38, 1-based): chr12:49,055,009, A>G on the plus strand (T>C on the coding strand, the complement: KMT2D is on the minus strand). VCF-style: chr12-49055009-A-G. GRCh37 (hg19) VCF-style: chr12-49448792-A-G.
Other names: short protein forms S23P.
Identifiers: ClinVar variation 3635177 (VCV003635177.2).

ClinVar aggregate classification (germline): Uncertain significance (1 of 4 stars; one submission).

Conditions:
Kabuki syndrome. Also called: NIIKAWA-KUROKI SYNDROME; Kabuki make-up syndrome. Identifiers: Orphanet 2322, MedGen C0796004, MONDO:0016512.

Submission:

Labcorp Genetics (formerly Invitae), Labcorp
Classification: Uncertain significance for Kabuki syndrome. Last evaluated: 2025-01-12. Review status: criteria provided, single submitter. Criteria: Invitae Variant Classification Sherloc (09022015). Collection method: clinical testing. Allele origin: germline.
Comment: This sequence change replaces serine, which is neutral and polar, with proline, which is neutral and non-polar, at codon 23 of the KMT2D protein (p.Ser23Pro). This variant is not present in population databases (gnomAD no frequency). This variant has not been reported in the literature in individuals affected with KMT2D-related conditions. Invitae Evidence Modeling of protein sequence and biophysical properties (such as structural, functional, and spatial information, amino acid conservation, physicochemical variation, residue mobility, and thermodynamic stability) indicates that this missense variant is not expected to disrupt KMT2D protein function with a negative predictive value of 95%. In summary, the available evidence is currently insufficient to determine the role of this variant in disease. Therefore, it has been classified as a Variant of Uncertain Significance.